The following is an entry in ClinVar:

ClinVar aggregate classification (germline): Benign/Likely benign. Review status: criteria provided, multiple submitters, no conflicts (2 of 4 stars). 7 submissions from 7 submitters: Benign (5); Likely benign (2). Last evaluated 2026-09-09.

Conditions:
PRDM16-related disorder. Also called: PRDM16-related condition.
Left ventricular noncompaction 8 (LVNC8). Identifiers: Orphanet 154, Orphanet 54260, MedGen C3809288, MONDO:0014152, OMIM 615373.

Allele frequency attached by ClinVar (database versions not stated): gnomAD 0.00032 and 0.00034; 1000 Genomes Project 0.00080; TOPMed 0.00087; 1000 Genomes Project 30x 0.00094; ExAC 0.00140; gnomAD exomes 0.00184.
gnomAD v4.1: 570 of 1,611,606 alleles (0.035%); highest among the groups gnomAD compares: Admixed American, 0.94%; 8 homozygotes.

Submissions (7):

PreventionGenetics, part of Exact Sciences
Classification: Likely benign for PRDM16-related condition. Last evaluated: 2026-09-09. Review status: criteria provided, single submitter. Criteria: ACMG Guidelines, 2015. Collection method: clinical testing. Allele origin: germline.
Comment: This variant is classified as likely benign based on ACMG/AMP sequence variant interpretation guidelines (Richards et al. 2015 PMID: 25741868, with internal and published modifications).

Labcorp Genetics (formerly Invitae), Labcorp
Classification: Benign for Left ventricular noncompaction 8. Last evaluated: 2026-02-01. Review status: criteria provided, single submitter. Criteria: Invitae Variant Classification Sherloc (09022015). Collection method: clinical testing. Allele origin: germline.

ARUP Laboratories, Molecular Genetics and Genomics, ARUP Laboratories
Classification: Benign. Last evaluated: 2024-11-01. Review status: criteria provided, single submitter. Criteria: ARUP Molecular Germline Variant Investigation Process 2024. Collection method: clinical testing. Allele origin: germline.

Women's Health and Genetics/Laboratory Corporation of America, LabCorp
Classification: Likely benign. Last evaluated: 2023-08-19. Review status: criteria provided, single submitter. Criteria: LabCorp Variant Classification Summary - May 2015. Collection method: clinical testing. Allele origin: germline.

Mayo Clinic Laboratories, Mayo Clinic
Classification: Benign. Last evaluated: 2023-04-19. Review status: criteria provided, single submitter. Criteria: ACMG Guidelines, 2015. Collection method: clinical testing. Allele origin: germline. Observed: 7 variant alleles.
Comment: BS1, BS2, BP4

GeneDx
Classification: Benign. Last evaluated: 2017-07-31. Review status: criteria provided, single submitter. Criteria: GeneDx Variant Classification (06012015). Collection method: clinical testing. Allele origin: germline. Affected: yes.
Comment: This variant is considered likely benign or benign based on one or more of the following criteria: it is a conservative change, it occurs at a poorly conserved position in the protein, it is predicted to be benign by multiple in silico algorithms, and/or has population frequency not consistent with disease.

Breakthrough Genomics
Classification: Benign. Review status: criteria provided, single submitter. Criteria: ACMG Guidelines, 2015. Collection method: not provided. Allele origin: germline. Inheritance: Autosomal dominant inheritance. Affected: yes.

NM_022114.4(PRDM16):c.1566G>T (p.Leu522Phe)

Gene: PRDM16 (PR/SET domain 16; plus strand). Cytogenetic location: 1p36.32.
Variant type: single nucleotide variant.
Coding change: c.1566G>T on transcript NM_022114.4 (MANE Select); coding-DNA position 1566, G replaced by T.
Protein change: p.Leu522Phe; replaces leucine 522 with phenylalanine.
Molecular consequence: missense variant.
Genome position (GRCh38, 1-based): chr1:3,411,763, G>T. VCF-style: chr1-3411763-G-T. GRCh37 (hg19) VCF-style: chr1-3328327-G-T.
Other names: p.Leu522Phe; c.1566G>T, p.Leu522Phe (NM_199454.3); short protein forms L522F.
Identifiers: ClinVar variation 474407 (VCV000474407.15), dbSNP rs554705536, ClinGen allele CA544226.